The following is an entry in ClinVar:

ClinVar aggregate classification (germline): Uncertain significance (1 of 4 stars; one submission).

gnomAD v4.1: 2 of 1,614,058 alleles (0.00012%); highest among the groups gnomAD compares: Non-Finnish European, 0.00017%; no homozygotes.

Submission:

Labcorp Genetics (formerly Invitae), Labcorp
Classification: Uncertain significance. Last evaluated: 2025-03-07. Review status: criteria provided, single submitter. Criteria: Invitae Variant Classification Sherloc (09022015). Collection method: clinical testing. Allele origin: germline.
Comment: This sequence change replaces proline, which is neutral and non-polar, with leucine, which is neutral and non-polar, at codon 266 of the REL protein (p.Pro266Leu). This variant is not present in population databases (gnomAD no frequency). This variant has not been reported in the literature in individuals affected with REL-related conditions. An algorithm developed to predict the effect of missense changes on protein structure and function (PolyPhen-2) suggests that this variant is likely to be disruptive. In summary, the available evidence is currently insufficient to determine the role of this variant in disease. Therefore, it has been classified as a Variant of Uncertain Significance.

NM_001291746.2(REL):c.797C>T (p.Pro266Leu)

Gene: REL (REL proto-oncogene, NF-kB subunit; plus strand). Cytogenetic location: 2p16.1.
Variant type: single nucleotide variant.
Coding change: c.797C>T on transcript NM_001291746.2 (MANE Select); coding-DNA position 797, C replaced by T.
Protein change: p.Pro266Leu; replaces proline 266 with leucine.
Molecular consequence: missense variant.
Genome position (GRCh38, 1-based): chr2:60,918,550, C>T. VCF-style: chr2-60918550-C-T. GRCh37 (hg19) VCF-style: chr2-61145685-C-T.
Other names: c.797C>T, p.Pro266Leu (NM_001438025.1, NM_002908.4); short protein forms P266L.
Identifiers: ClinVar variation 4769568 (VCV004769568.1).